The following is an entry in ClinVar:

NM_006030.4(CACNA2D2):c.3099G>A (p.Arg1033=)

Genes: CACNA2D2 (calcium voltage-gated channel auxiliary subunit alpha2delta 2; minus strand), LOC127898564 (CYB561D2-LOC101928965; plus strand). Cytogenetic location: 3p21.31.
Variant type: single nucleotide variant.
Coding change: c.3099G>A on transcript NM_006030.4 (MANE Select); coding-DNA position 3099, G replaced by A.
Protein change: p.Arg1033=; no amino-acid change (arginine 1033 retained).
Molecular consequence: synonymous variant.
Genome position (GRCh38, 1-based): chr3:50,365,184, C>T on the plus strand (G>A on the coding strand, the complement: CACNA2D2 is on the minus strand). VCF-style: chr3-50365184-C-T. GRCh37 (hg19) VCF-style: chr3-50402615-C-T.
Other names: c.3099G>A, p.Arg1033= (NM_001005505.3); c.3120G>A, p.Arg1040= (NM_001174051.3); c.2892G>A, p.Arg964= (NM_001291101.1).
Identifiers: ClinVar variation 530409 (VCV000530409.13), dbSNP rs769536562, ClinGen allele CA2418209.
Genomic context (GRCh38, chr3:50,365,184, plus strand): 5'-CGGCTTCTCGGCCACCACAAAGAGAAGATTGGTGTTGGTCAGTCTCTGCGCGTGGAACAG[C>T]CTGCGGGCAGCCCGGAAAGGCGGGGCGTTGAGTTTGCCCCGCCCTGACCCACCCCCATCC-3'
Protein context (NP_006021.2, residues 1023-1043): NAIIDCGNCS[Arg1033=]LFHAQRLTNT

ClinVar aggregate classification (germline): Conflicting classifications of pathogenicity. Review status: criteria provided, conflicting classifications (1 of 4 stars). 2 submissions from 2 submitters: Uncertain significance (1); Likely benign (1). Last evaluated 2024-09-13.

Conditions:
Early-infantile DEE. Also called: Early infantile epileptic encephalopathy; Early infantile epileptic encephalopathy with suppression bursts; Ohtahara syndrome. Identifiers: Orphanet 1934, MedGen C0393706, MONDO:0800491.

Allele frequency attached by ClinVar (database versions not stated): gnomAD 0.00001; TOPMed 0.00001; gnomAD exomes below 0.00001; ExAC 0.00001.
gnomAD v4.1: 11 of 1,611,730 alleles (0.00068%); highest among the groups gnomAD compares: African/African-American, 0.0013%; no homozygotes.

Submissions (2):

Labcorp Genetics (formerly Invitae), Labcorp
Classification: Likely benign for Early-infantile DEE. Last evaluated: 2024-09-13. Review status: criteria provided, single submitter. Criteria: Invitae Variant Classification Sherloc (09022015). Collection method: clinical testing. Allele origin: germline.

GeneDx
Classification: Uncertain significance. Last evaluated: 2022-05-27. Review status: criteria provided, single submitter. Criteria: GeneDx Variant Classification Process June 2021. Collection method: clinical testing. Allele origin: germline. Affected: yes.
Comment: Not observed at significant frequency in large population cohorts (gnomAD); In silico analysis supports that this variant does not alter splicing; Has not been previously published as pathogenic or benign to our knowledge